The following is an entry in ClinVar:

ClinVar aggregate classification (germline): Uncertain significance (1 of 4 stars; one submission).

Conditions:
Hereditary cancer-predisposing syndrome. Also called: Neoplastic Syndromes, Hereditary; Tumor predisposition; Hereditary neoplastic syndrome; Hereditary Cancer Syndrome. Identifiers: Orphanet 140162, MedGen C0027672, MeSH D009386, MONDO:0015356.

Submission:

Ambry Genetics
Classification: Uncertain significance for Hereditary cancer-predisposing syndrome. Last evaluated: 2024-03-14. Review status: criteria provided, single submitter. Criteria: Ambry Variant Classification Scheme 2023. Collection method: clinical testing. Allele origin: germline.
Comment: The p.E160D variant (also known as c.480A>T), located in coding exon 5 of the FANCC gene, results from an A to T substitution at nucleotide position 480. The glutamic acid at codon 160 is replaced by aspartic acid, an amino acid with highly similar properties. This amino acid position is conserved. In addition, this alteration is predicted to be tolerated by in silico analysis. Based on the available evidence, the clinical significance of this alteration remains unclear.

NM_000136.3(FANCC):c.480A>T (p.Glu160Asp)

Gene: FANCC (FA complementation group C; minus strand). Cytogenetic location: 9q22.32.
Variant type: single nucleotide variant.
Coding change: c.480A>T on transcript NM_000136.3 (MANE Select); coding-DNA position 480, A replaced by T.
Protein change: p.Glu160Asp; replaces glutamic acid 160 with aspartic acid.
Molecular consequence: missense variant.
Genome position (GRCh38, 1-based): chr9:95,171,120, T>A on the plus strand (A>T on the coding strand, the complement: FANCC is on the minus strand). VCF-style: chr9-95171120-T-A. GRCh37 (hg19) VCF-style: chr9-97933402-T-A.
Other names: c.480A>T, p.Glu160Asp (NM_001243743.2, NM_001243744.2); short protein forms E160D.
Identifiers: ClinVar variation 3230386 (VCV003230386.1), dbSNP rs2135579350, ClinGen allele CA374338630.